The following is an entry in ClinVar:

ClinVar aggregate classification (germline): Benign (1 of 4 stars; one submission).

Allele frequency attached by ClinVar (database versions not stated): gnomAD 0.03582 and 0.03613; 1000 Genomes Project 0.03874; 1000 Genomes Project 30x 0.04263; TOPMed 0.04379.
gnomAD v4.1: 22,523 of 596,946 alleles (3.8%); highest among the groups gnomAD compares: Admixed American, 21%; 1,300 homozygotes.

Submission:

GeneDx
Classification: Benign. Last evaluated: 2018-06-14. Review status: criteria provided, single submitter. Criteria: GeneDx Variant Classification (06012015). Collection method: clinical testing. Allele origin: germline. Affected: yes.
Comment: This variant is considered likely benign or benign based on one or more of the following criteria: it is a conservative change, it occurs at a poorly conserved position in the protein, it is predicted to be benign by multiple in silico algorithms, and/or has population frequency not consistent with disease.

NM_001105206.3(LAMA4):c.196-191T>C

Gene: LAMA4 (laminin subunit alpha 4; minus strand). Cytogenetic location: 6q21.
Variant type: single nucleotide variant.
Coding change: c.196-191T>C on transcript NM_001105206.3 (MANE Select); 191 bases into the intron before coding-DNA position 196, T replaced by C.
Molecular consequence: intron variant.
Genome position (GRCh38, 1-based): chr6:112,216,660, A>G on the plus strand (T>C on the coding strand, the complement: LAMA4 is on the minus strand). VCF-style: chr6-112216660-A-G. GRCh37 (hg19) VCF-style: chr6-112537861-A-G.
Other names: c.196-191T>C (NM_002290.5, NM_001105207.3).
Identifiers: ClinVar variation 673847 (VCV000673847.1), dbSNP rs117552790, ClinGen allele CA15462826.